The following is an entry in ClinVar:

ClinVar aggregate classification (germline): Pathogenic (1 of 4 stars; one submission).

Conditions:
Hereditary cancer-predisposing syndrome. Also called: Neoplastic Syndromes, Hereditary; Tumor predisposition; Hereditary neoplastic syndrome; Hereditary Cancer Syndrome. Identifiers: Orphanet 140162, MedGen C0027672, MeSH D009386, MONDO:0015356.

Submission:

Ambry Genetics
Classification: Pathogenic for Hereditary cancer-predisposing syndrome. Last evaluated: 2018-03-09. Review status: criteria provided, single submitter. Criteria: Ambry Variant Classification Scheme 2023. Collection method: clinical testing. Allele origin: germline.
Comment: The p.E138* pathogenic mutation (also known as c.412G>T), located in coding exon 3 of the FLCN gene, results from a G to T substitution at nucleotide position 412. This changes the amino acid from a glutamic acid to a stop codon within coding exon 3. This alteration is expected to result in loss of function by premature protein truncation or nonsense-mediated mRNA decay. As such, this alteration is interpreted as a disease-causing mutation.

NM_144997.7(FLCN):c.412G>T (p.Glu138Ter)

Gene: FLCN (folliculin; minus strand). Cytogenetic location: 17p11.2.
Variant type: single nucleotide variant.
Coding change: c.412G>T on transcript NM_144997.7 (MANE Select); coding-DNA position 412, G replaced by T.
Protein change: p.Glu138Ter; replaces glutamic acid 138 with a stop codon.
Molecular consequence: nonsense.
Genome position (GRCh38, 1-based): chr17:17,224,128, C>A on the plus strand (G>T on the coding strand, the complement: FLCN is on the minus strand). VCF-style: chr17-17224128-C-A. GRCh37 (hg19) VCF-style: chr17-17127442-C-A.
Other names: c.466G>T, p.Glu156Ter (NM_001353229.2); c.412G>T, p.Glu138Ter (NM_001353230.2, NM_001353231.2, NM_144606.7); short protein forms E156*, E138*.
Identifiers: ClinVar variation 824614 (VCV000824614.4), dbSNP rs1597607423, ClinGen allele CA398534623.